The following is an entry in ClinVar:

ClinVar aggregate classification (germline): Uncertain significance. Review status: criteria provided, multiple submitters, no conflicts (2 of 4 stars). 2 submissions from 2 submitters: Uncertain significance (2). Last evaluated 2025-08-28.

Conditions:
Polycystic kidney disease, adult type (PKD1). Also called: POLYCYSTIC KIDNEY DISEASE 1 WITH OR WITHOUT POLYCYSTIC LIVER DISEASE; Polycystic Kidney Disease 1, Autosomal Dominant; Polycystic kidney disease 1; Polycystic kidney disease 1, severe; Polycystic Kidney, Autosomal Dominant; POLYCYSTIC KIDNEY DISEASE, ADULT, TYPE I. Identifiers: MedGen C3149841, MONDO:0008263, OMIM 173900.
Inborn genetic diseases. Identifiers: MedGen C0950123, MeSH D030342.

Allele frequency attached by ClinVar (database versions not stated): TOPMed 0.00001; ExAC 0.00002.
gnomAD v4.1: 25 of 1,610,192 alleles (0.0016%); highest among the groups gnomAD compares: East Asian, 0.047%; no homozygotes.

Submissions (2):

Victorian Clinical Genetics Services, Murdoch Childrens Research Institute
Classification: Uncertain significance for Polycystic kidney disease, adult type. Last evaluated: 2025-08-28. Review status: criteria provided, single submitter. Criteria: ACMG Guidelines, 2015. Collection method: clinical testing. Allele origin: germline. Affected: yes.
Comment: This variant is classified as VUS-3B. Evidence in support of pathogenic classification: Variant is present in gnomAD <0.001 for a dominant condition (v4: 25 heterozygote(s), 0 homozygote(s)); Missense variant predicted to be damaging by in silico tool(s) or highly conserved with a major amino acid change. Additional information: Variant is predicted to result in a missense amino acid change from Gly to Asp; This variant is heterozygous; This gene is associated with autosomal dominant disease. Polycystic kidney disease 1 (MIM#173900) is predominantly caused by monoallelic variants, with rare reports of biallelic variants causing disease (OMIM); Alternative amino acid change(s) at the same position are present in gnomAD (highest allele count: v4: 1 heterozygote(s), 0 homozygote(s)); Previous evidence of pathogenicity for this variant is inconclusive. This variant has been classified as a VUS by clinical laboratories (ClinVar). - No published functional evidence has been identified for this variant; Another missense variant comparable to the one identified in this case has inconclusive previous evidence for pathogenicity. p.(Gly1099Cys) has been classified as a VUS (ClinVar); Variant is located in the annotated PKD domain (DECIPHER); Loss of function is a known mechanism of disease in this gene and is associated with polycystic kidney disease 1 (MIM#173900); Inheritance information for this variant is not currently available in this individual.

Ambry Genetics
Classification: Uncertain significance for Inborn genetic diseases. Last evaluated: 2023-08-15. Review status: criteria provided, single submitter. Criteria: Ambry Variant Classification Scheme 2023. Collection method: clinical testing. Allele origin: germline.

NM_001009944.3(PKD1):c.3296G>A (p.Gly1099Asp)

Gene: PKD1 (polycystin 1, transient receptor potential channel interacting; minus strand). Cytogenetic location: 16p13.3.
Variant type: single nucleotide variant.
Coding change: c.3296G>A on transcript NM_001009944.3 (MANE Select); coding-DNA position 3296, G replaced by A.
Protein change: p.Gly1099Asp; replaces glycine 1099 with aspartic acid.
Molecular consequence: missense variant.
Genome position (GRCh38, 1-based): chr16:2,111,871, C>T on the plus strand (G>A on the coding strand, the complement: PKD1 is on the minus strand). VCF-style: chr16-2111871-C-T. GRCh37 (hg19) VCF-style: chr16-2161872-C-T.
Other names: c.3296G>A, p.Gly1099Asp (NM_000296.4); short protein forms G1099D.
Identifiers: ClinVar variation 2594321 (VCV002594321.5), dbSNP rs754067527, ClinGen allele CA7832819.